The following is an entry in ClinVar:

ClinVar aggregate classification (germline): Uncertain significance (1 of 4 stars; one submission).

Conditions:
Hereditary sensory and autonomic neuropathy type 1 (HSAN1). Also called: HSAN 1; HSN Type I; Hereditary Sensory Neuropathy Type I. Identifiers: Orphanet 36386, MedGen C0020071, MONDO:0018213.

Allele frequency attached by ClinVar (database versions not stated): gnomAD 0.00001; gnomAD exomes 0.00001.
gnomAD v4.1: 11 of 1,613,404 alleles (0.00068%); highest among the groups gnomAD compares: Middle Eastern, 0.016%; no homozygotes.

Submission:

Labcorp Genetics (formerly Invitae), Labcorp
Classification: Uncertain significance for Hereditary sensory and autonomic neuropathy type 1. Last evaluated: 2024-05-21. Review status: criteria provided, single submitter. Criteria: Invitae Variant Classification Sherloc (09022015). Collection method: clinical testing. Allele origin: germline.
Comment: This sequence change replaces arginine, which is basic and polar, with cysteine, which is neutral and slightly polar, at codon 236 of the SPTLC1 protein (p.Arg236Cys). This variant is present in population databases (no rsID available, gnomAD 0.006%). This variant has not been reported in the literature in individuals affected with SPTLC1-related conditions. ClinVar contains an entry for this variant (Variation ID: 842243). Advanced modeling of protein sequence and biophysical properties (such as structural, functional, and spatial information, amino acid conservation, physicochemical variation, residue mobility, and thermodynamic stability) performed at Invitae indicates that this missense variant is not expected to disrupt SPTLC1 protein function with a negative predictive value of 80%. In summary, the available evidence is currently insufficient to determine the role of this variant in disease. Therefore, it has been classified as a Variant of Uncertain Significance.

NM_006415.4(SPTLC1):c.706C>T (p.Arg236Cys)

Gene: SPTLC1 (serine palmitoyltransferase long chain base subunit 1; minus strand). Cytogenetic location: 9q22.31.
Variant type: single nucleotide variant.
Coding change: c.706C>T on transcript NM_006415.4 (MANE Select); coding-DNA position 706, C replaced by T.
Protein change: p.Arg236Cys; replaces arginine 236 with cysteine.
Molecular consequence: missense variant.
Genome position (GRCh38, 1-based): chr9:92,055,479, G>A on the plus strand (C>T on the coding strand, the complement: SPTLC1 is on the minus strand). VCF-style: chr9-92055479-G-A. GRCh37 (hg19) VCF-style: chr9-94817761-G-A.
Other names: c.706C>T, p.Arg236Cys (NM_001281303.2); c.340C>T, p.Arg114Cys (NM_001368272.1); c.241C>T, p.Arg81Cys (NM_001368273.1); short protein forms R114C, R236C, R81C.
Identifiers: ClinVar variation 842243 (VCV000842243.9), dbSNP rs1019261252, ClinGen allele CA373795293.